The following is an entry in ClinVar:

NM_005654.6(NR2F1):c.410A>C (p.Gln137Pro)

Genes: NR2F1 (nuclear receptor subfamily 2 group F member 1; plus strand), NR2F1-AS1 (NR2F1 regulatory antisense RNA 1; minus strand). Cytogenetic location: 5q15.
Variant type: single nucleotide variant.
Coding change: c.410A>C on transcript NM_005654.6 (MANE Select); coding-DNA position 410, A replaced by C.
Protein change: p.Gln137Pro; replaces glutamine 137 with proline.
Molecular consequence: missense variant.
Genome position (GRCh38, 1-based): chr5:93,585,433, A>C. VCF-style: chr5-93585433-A-C. GRCh37 (hg19) VCF-style: chr5-92921139-A-C.
Other names: short protein forms Q137P.
Identifiers: ClinVar variation 2099910 (VCV002099910.4), dbSNP rs2480802422, ClinGen allele CA360526224.

ClinVar aggregate classification (germline): Uncertain significance (1 of 4 stars; one submission).

Submission:

Labcorp Genetics (formerly Invitae), Labcorp
Classification: Uncertain significance. Last evaluated: 2022-11-03. Review status: criteria provided, single submitter. Criteria: Invitae Variant Classification Sherloc (09022015). Collection method: clinical testing. Allele origin: germline.
Comment: In summary, the available evidence is currently insufficient to determine the role of this variant in disease. Therefore, it has been classified as a Variant of Uncertain Significance. Advanced modeling of protein sequence and biophysical properties (such as structural, functional, and spatial information, amino acid conservation, physicochemical variation, residue mobility, and thermodynamic stability) performed at Invitae indicates that this missense variant is expected to disrupt NR2F1 protein function. This variant has not been reported in the literature in individuals affected with NR2F1-related conditions. This variant is not present in population databases (gnomAD no frequency). This sequence change replaces glutamine, which is neutral and polar, with proline, which is neutral and non-polar, at codon 137 of the NR2F1 protein (p.Gln137Pro).